The following is an entry in ClinVar:

ClinVar aggregate classification (germline): Uncertain significance. Review status: criteria provided, multiple submitters, no conflicts (2 of 4 stars). 3 submissions from 3 submitters: Uncertain significance (3). Last evaluated 2023-01-23.

Conditions:
Inborn genetic diseases. Identifiers: MedGen C0950123, MeSH D030342.
Ellis-van Creveld syndrome (EVC). Also called: EVC-Related Ellis-van Creveld Syndrome; EVC2-Related Ellis-van Creveld Syndrome; Chondroectodermal dysplasia; MESOECTODERMAL DYSPLASIA. Identifiers: Orphanet 289, MedGen C0013903, MONDO:0009162, OMIM 225500.
Curry-Hall syndrome (WAD). Also called: WEYERS ACRODENTAL DYSOSTOSIS. Identifiers: Orphanet 952, MedGen C0457013, MONDO:0008673, OMIM 193530.

Allele frequency attached by ClinVar (database versions not stated): ExAC 0.00005; ESP Exome Variant Server 0.00008; gnomAD 0.00009; 1000 Genomes Project 30x 0.00016; 1000 Genomes Project 0.00020.
gnomAD v4.1: 58 of 1,614,240 alleles (0.0036%); highest among the groups gnomAD compares: African/African-American, 0.031%; no homozygotes.

Submissions (3):

Ambry Genetics
Classification: Uncertain significance for Inborn genetic diseases. Last evaluated: 2023-01-23. Review status: criteria provided, single submitter. Criteria: Ambry Variant Classification Scheme 2023. Collection method: clinical testing. Allele origin: germline.

Labcorp Genetics (formerly Invitae), Labcorp
Classification: Uncertain significance for Curry-Hall syndrome; Ellis-van Creveld syndrome. Last evaluated: 2022-06-04. Review status: criteria provided, single submitter. Criteria: Invitae Variant Classification Sherloc (09022015). Collection method: clinical testing. Allele origin: germline.
Comment: This sequence change replaces glycine, which is neutral and non-polar, with arginine, which is basic and polar, at codon 798 of the EVC protein (p.Gly798Arg). This variant is present in population databases (rs142738089, gnomAD 0.02%). This variant has not been reported in the literature in individuals affected with EVC-related conditions. ClinVar contains an entry for this variant (Variation ID: 1305733). Algorithms developed to predict the effect of missense changes on protein structure and function output the following: SIFT: "Deleterious"; PolyPhen-2: "Benign"; Align-GVGD: "Class C0". The arginine amino acid residue is found in multiple mammalian species, which suggests that this missense change does not adversely affect protein function. In summary, the available evidence is currently insufficient to determine the role of this variant in disease. Therefore, it has been classified as a Variant of Uncertain Significance.

GeneDx
Classification: Uncertain significance. Last evaluated: 2019-05-13. Review status: criteria provided, single submitter. Criteria: GeneDx Variant Classification Process June 2021. Collection method: clinical testing. Allele origin: germline. Affected: yes.
Comment: In silico analysis, which includes protein predictors and evolutionary conservation, supports a deleterious effect; Has not been previously published as pathogenic or benign to our knowledge

NM_153717.3(EVC):c.2392G>A (p.Gly798Arg)

Gene: EVC (EvC ciliary complex subunit 1; plus strand). Cytogenetic location: 4p16.2.
Variant type: single nucleotide variant.
Coding change: c.2392G>A on transcript NM_153717.3 (MANE Select); coding-DNA position 2392, G replaced by A.
Protein change: p.Gly798Arg; replaces glycine 798 with arginine.
Molecular consequence: missense variant.
Genome position (GRCh38, 1-based): chr4:5,802,037, G>A. VCF-style: chr4-5802037-G-A. GRCh37 (hg19) VCF-style: chr4-5803764-G-A.
Other names: c.2392G>A, p.Gly798Arg (NM_001306090.2); short protein forms G798R.
Identifiers: ClinVar variation 1305733 (VCV001305733.5), dbSNP rs142738089, ClinGen allele CA2836484.
Genomic context (GRCh38, chr4:5,802,037, plus strand): 5'-AGCGTCTACGTGACCAGCGCTGGTGTCAGCCGCCTGGTGCAGGCGTATTACCAGCAAATC[G>A]GAAGGATCATGGAGGACCACGAGGAGAGAAAACTGCAGCACCTGAAGACCCTGCAGGGTA-3'
Protein context (NP_714928.1, residues 788-808): RLVQAYYQQI[Gly798Arg]RIMEDHEERK